The following is an entry in ClinVar:

ClinVar aggregate classification (germline): Uncertain significance (1 of 4 stars; one submission).

Submission:

Labcorp Genetics (formerly Invitae), Labcorp
Classification: Uncertain significance. Last evaluated: 2024-06-17. Review status: criteria provided, single submitter. Criteria: Invitae Variant Classification Sherloc (09022015). Collection method: clinical testing. Allele origin: germline.
Comment: This sequence change replaces phenylalanine, which is neutral and non-polar, with serine, which is neutral and polar, at codon 1360 of the POLR3A protein (p.Phe1360Ser). This variant is not present in population databases (gnomAD no frequency). This variant has not been reported in the literature in individuals affected with POLR3A-related conditions. ClinVar contains an entry for this variant (Variation ID: 2130911). Advanced modeling of protein sequence and biophysical properties (such as structural, functional, and spatial information, amino acid conservation, physicochemical variation, residue mobility, and thermodynamic stability) performed at Invitae indicates that this missense variant is not expected to disrupt POLR3A protein function with a negative predictive value of 80%. In summary, the available evidence is currently insufficient to determine the role of this variant in disease. Therefore, it has been classified as a Variant of Uncertain Significance.

NM_007055.4(POLR3A):c.4079T>C (p.Phe1360Ser)

Gene: POLR3A (RNA polymerase III subunit A; minus strand). Cytogenetic location: 10q22.3.
Variant type: single nucleotide variant.
Coding change: c.4079T>C on transcript NM_007055.4 (MANE Select); coding-DNA position 4079, T replaced by C.
Protein change: p.Phe1360Ser; replaces phenylalanine 1360 with serine.
Molecular consequence: missense variant.
Genome position (GRCh38, 1-based): chr10:77,977,572, A>G on the plus strand (T>C on the coding strand, the complement: POLR3A is on the minus strand). VCF-style: chr10-77977572-A-G. GRCh37 (hg19) VCF-style: chr10-79737330-A-G.
Other names: short protein forms F1360S.
Identifiers: ClinVar variation 2130911 (VCV002130911.4), dbSNP rs2493177512, ClinGen allele CA377325790.